The following is an entry in ClinVar:

NM_006852.6(TLK2):c.1971+2T>G

Gene: TLK2 (tousled like kinase 2; plus strand). Cytogenetic location: 17q23.2.
Variant type: single nucleotide variant.
Coding change: c.1971+2T>G on transcript NM_006852.6 (MANE Select); the canonical splice donor site of the intron after coding-DNA position 1971, T replaced by G.
Molecular consequence: splice donor variant.
Genome position (GRCh38, 1-based): chr17:62,606,243, T>G. VCF-style: chr17-62606243-T-G. GRCh37 (hg19) VCF-style: chr17-60683604-T-G.
Other names: c.1971+2T>G (NM_001375271.1, NM_001375270.1); c.1875+2T>G (NM_001438204.1, NM_001375272.1, NM_001438203.1 and 1 more transcripts); c.1524+2T>G (NM_001375273.1, NM_001330418.3); c.1686+2T>G (NM_001411074.1); c.1782+2T>G (NM_001438205.1); c.2037+2T>G (NM_001284333.3); c.2013+2T>G (NM_001375269.1).
Identifiers: ClinVar variation 4883376 (VCV004883376.2).
Genomic context (GRCh38, chr17:62,606,243, plus strand): 5'-ATAAAGTTGATGTGTGGTCGGTGGGTGTGATCTTCTATCAGTGTCTTTATGGAAGGAAGG[T>G]AAGTTAGAAGGTTGATGGAGAAGCTTGATCTCTTTCTTGGGTGGCACACACACACACAGT-3'

ClinVar aggregate classification (germline): Uncertain significance (1 of 4 stars; one submission).

Submission:

Dasa
Classification: Uncertain significance. Last evaluated: 2024-10-14. Review status: criteria provided, single submitter. Criteria: DASA Assertion Criteria. Collection method: clinical testing. Allele origin: germline.
Comment: NM_006852.6(TLK2):c.1971+2T>G affects a canonical splice site and is predicted to disrupt normal RNA splicing. This variant is absent from population databases. The currently available literature and clinical evidence are not sufficient to establish a definitive association between this variant and the reported condition. Therefore, this variant is classified as a variant of uncertain significance.